The following is an entry in ClinVar:

NM_004211.5(SLC6A5):c.1266_1267dup (p.Tyr423fs)

Gene: SLC6A5 (solute carrier family 6 member 5; plus strand). Cytogenetic location: 11p15.1.
Variant type: Microsatellite.
Coding change: c.1266_1267dup on transcript NM_004211.5 (MANE Select); coding-DNA positions 1266 to 1267, 2 bases duplicated (GT; older notation c.1266_1267dupGT).
Protein change: p.Tyr423fs; shifts the reading frame from tyrosine 423.
Molecular consequence: frameshift variant.
Genome position (GRCh38, 1-based): chr11:20,626,713-20,626,714, GT duplicated; duplicating any 2 consecutive bases within chr11:20,626,711-20,626,714 gives the same sequence; the c. name uses the placement nearest the transcript's 3' end. VCF-style (leftmost placement, unchanged base first): chr11-20626710-G-GGT. GRCh37 (hg19) VCF-style: chr11-20648256-G-GGT.
Other names: c.564_565dup, p.Tyr189fs (NM_001318369.2); short protein forms Y189fs, Y423fs.
Identifiers: ClinVar variation 1373505 (VCV001373505.6), dbSNP rs2133798401, ClinGen allele CA2580615645.

ClinVar aggregate classification (germline): Pathogenic (1 of 4 stars; one submission).

Conditions:
Hyperekplexia 3 (HKPX3). Also called: HYPEREKPLEXIA 3, AUTOSOMAL RECESSIVE; HYPEREKPLEXIA 3, AUTOSOMAL DOMINANT. Identifiers: Orphanet 3197, MedGen C3553288, MONDO:0013827, OMIM 614618.

Submission:

Labcorp Genetics (formerly Invitae), Labcorp
Classification: Pathogenic for Hyperekplexia 3. Last evaluated: 2022-07-12. Review status: criteria provided, single submitter. Criteria: Invitae Variant Classification Sherloc (09022015). Collection method: clinical testing. Allele origin: germline.
Comment: For these reasons, this variant has been classified as Pathogenic. This variant has not been reported in the literature in individuals affected with SLC6A5-related conditions. This variant is not present in population databases (gnomAD no frequency). This sequence change creates a premature translational stop signal (p.Tyr423Cysfs*13) in the SLC6A5 gene. It is expected to result in an absent or disrupted protein product. Loss-of-function variants in SLC6A5 are known to be pathogenic (PMID: 14622583, 16751771, 22700964).

Literature cited by the submitters: PubMed 14622583; PubMed 16751771; PubMed 22700964.